The following is an entry in ClinVar:

NC_000001.10:g.(?_201013436)_(201013604_?)del

Gene: CACNA1S (calcium voltage-gated channel subunit alpha1 S; minus strand). Cytogenetic location: 1q32.1.
Variant type: Deletion.
Identifiers: ClinVar variation 2422292 (VCV002422292.5).

ClinVar aggregate classification (germline): Uncertain significance (1 of 4 stars; one submission).

Conditions:
Malignant hyperthermia, susceptibility to, 5 (MHS5). Also called: CACNA1S-Related Malignant Hyperthermia Susceptibility. Identifiers: Orphanet 423, MedGen C1866077, MONDO:0011163, OMIM 601887.
Hypokalemic periodic paralysis, type 1. Also called: HypoPP; Hypokalemic Periodic Paralysis Type 1 (AD). Identifiers: Orphanet 681, MedGen C3714580, MONDO:0042979, OMIM 170400.

Submission:

Labcorp Genetics (formerly Invitae), Labcorp
Classification: Uncertain significance for Hypokalemic periodic paralysis, type 1; Malignant hyperthermia, susceptibility to, 5. Last evaluated: 2023-03-18. Review status: criteria provided, single submitter. Criteria: Invitae Variant Classification Sherloc (09022015). Collection method: clinical testing. Allele origin: germline.
Comment: In summary, the available evidence is currently insufficient to determine the role of this variant in disease. Therefore, it has been classified as a Variant of Uncertain Significance. Experimental studies and prediction algorithms are not available or were not evaluated, and the functional significance of this variant is currently unknown. This variant has not been reported in the literature in individuals affected with CACNA1S-related conditions. This variant is a gross deletion of the genomic region encompassing exon(s) 39 of the CACNA1S gene. This variant would be expected to be in-frame, preserving the integrity of the reading frame.